The following is an entry in ClinVar:

NM_002547.3(OPHN1):c.1375C>A (p.Pro459Thr)

Gene: OPHN1 (oligophrenin 1; minus strand). Cytogenetic location: Xq12.
Variant type: single nucleotide variant.
Coding change: c.1375C>A on transcript NM_002547.3 (MANE Select); coding-DNA position 1375, C replaced by A.
Protein change: p.Pro459Thr; replaces proline 459 with threonine.
Molecular consequence: missense variant.
Genome position (GRCh38, 1-based): chrX:68,113,226, G>T on the plus strand (C>A on the coding strand, the complement: OPHN1 is on the minus strand). VCF-style: chrX-68113226-G-T. GRCh37 (hg19) VCF-style: chrX-67333068-G-T.
Other names: short protein forms P459T.
Identifiers: ClinVar variation 1300421 (VCV001300421.5), dbSNP rs2147432469, ClinGen allele CA413431887.
Genomic context (GRCh38, chrX:68,113,226, plus strand): 5'-AACATAAATACTTACTGGCAGCAGAGACCAGCTCTTTGTGAAGTCTATAGGTCATGACAG[G>T]TTCAGAAAGATTCCTGAAATGAATGAAAATTGTCAGTTGCTTTGGGAAGAAAGCAGCTGG-3'
Protein context (NP_002538.1, residues 449-469): LKFYLRNLSE[Pro459Thr]VMTYRLHKEL

ClinVar aggregate classification (germline): Likely pathogenic (1 of 4 stars; one submission).

Submission:

GeneDx
Classification: Likely pathogenic. Last evaluated: 2023-08-18. Review status: criteria provided, single submitter. Criteria: GeneDx Variant Classification Process June 2021. Collection method: clinical testing. Allele origin: germline. Affected: yes.
Comment: Not observed at significant frequency in large population cohorts (gnomAD); In silico analysis supports that this missense variant has a deleterious effect on protein structure/function; Has not been previously published as pathogenic or benign to our knowledge